The following is an entry in ClinVar:

ClinVar aggregate classification (germline): Uncertain significance (1 of 4 stars; one submission).

gnomAD v4.1: 5 of 1,613,246 alleles (0.00031%); highest among the groups gnomAD compares: Middle Eastern, 0.016%; no homozygotes.

Submission:

Labcorp Genetics (formerly Invitae), Labcorp
Classification: Uncertain significance. Last evaluated: 2024-08-28. Review status: criteria provided, single submitter. Criteria: Invitae Variant Classification Sherloc (09022015). Collection method: clinical testing. Allele origin: germline.
Comment: This sequence change replaces glycine, which is neutral and non-polar, with aspartic acid, which is acidic and polar, at codon 33 of the ITGAM protein (p.Gly33Asp). This variant is not present in population databases (gnomAD no frequency). This variant has not been reported in the literature in individuals affected with ITGAM-related conditions. An algorithm developed to predict the effect of missense changes on protein structure and function (PolyPhen-2) suggests that this variant is likely to be disruptive. In summary, the available evidence is currently insufficient to determine the role of this variant in disease. Therefore, it has been classified as a Variant of Uncertain Significance.

NM_000632.4(ITGAM):c.98G>A (p.Gly33Asp)

Gene: ITGAM (integrin subunit alpha M; plus strand). Cytogenetic location: 16p11.2.
Variant type: single nucleotide variant.
Coding change: c.98G>A on transcript NM_000632.4 (MANE Select); coding-DNA position 98, G replaced by A.
Protein change: p.Gly33Asp; replaces glycine 33 with aspartic acid.
Molecular consequence: missense variant.
Genome position (GRCh38, 1-based): chr16:31,261,761, G>A. VCF-style: chr16-31261761-G-A. GRCh37 (hg19) VCF-style: chr16-31273082-G-A.
Other names: c.98G>A, p.Gly33Asp (NM_001145808.2); short protein forms G33D.
Identifiers: ClinVar variation 3663653 (VCV003663653.2).